The following is an entry in ClinVar:

NM_005220.3(DLX3):c.436C>T (p.Arg146Cys)

Gene: DLX3 (distal-less homeobox 3; minus strand). Cytogenetic location: 17q21.33.
Variant type: single nucleotide variant.
Coding change: c.436C>T on transcript NM_005220.3 (MANE Select); coding-DNA position 436, C replaced by T.
Protein change: p.Arg146Cys; replaces arginine 146 with cysteine.
Molecular consequence: missense variant.
Genome position (GRCh38, 1-based): chr17:49,993,480, G>A on the plus strand (C>T on the coding strand, the complement: DLX3 is on the minus strand). VCF-style: chr17-49993480-G-A. GRCh37 (hg19) VCF-style: chr17-48070844-G-A.
Other names: c.436C>T (NM_005220.2); short protein forms R146C.
Identifiers: ClinVar variation 2052885 (VCV002052885.6), dbSNP rs1205897217, ClinGen allele CA400175703.
Genomic context (GRCh38, chr17:49,993,480, plus strand): 5'-GCTGCGCGGCCAGCTCGGCGCGCTCGGGCAGCGCCAGGTACTGGGCCTTCTGGAAGCGGC[G>A]CTGCAGGGCGGCCAGCTGGTAGCTGGAGTAGATCGTACGCGGCTTTCGGACCTTCTTGGG-3'
Protein context (NP_005211.1, residues 136-156): YSSYQLAALQ[Arg146Cys]RFQKAQYLAL

ClinVar aggregate classification (germline): Uncertain significance. Review status: criteria provided, multiple submitters, no conflicts (2 of 4 stars). 2 submissions from 2 submitters: Uncertain significance (2). Last evaluated 2026-03-19.

Conditions:
Inborn genetic diseases. Identifiers: MedGen C0950123, MeSH D030342.

Allele frequency attached by ClinVar (database versions not stated): gnomAD exomes 0.00002.
gnomAD v4.1: 38 of 1,612,686 alleles (0.0024%); highest among the groups gnomAD compares: Non-Finnish European, 0.003%; no homozygotes.

Submissions (2):

Ambry Genetics
Classification: Uncertain significance for Inborn genetic diseases. Last evaluated: 2026-03-19. Review status: criteria provided, single submitter. Criteria: Ambry Variant Classification Scheme 2023. Collection method: clinical testing. Allele origin: germline.
Comment: The c.436C>T (p.R146C) alteration is located in exon 2 (coding exon 2) of the DLX3 gene. This alteration results from a C to T substitution at nucleotide position 436, causing the arginine (R) at amino acid position 146 to be replaced by a cysteine (C). Based on data from gnomAD, the T allele has an overall frequency of <0.001% (0/247498) total alleles studied. The highest observed frequency was <0.001% (/) of alleles. Based on insufficient or conflicting evidence, the clinical significance of this alteration remains unclear.

Labcorp Genetics (formerly Invitae), Labcorp
Classification: Uncertain significance. Last evaluated: 2023-07-07. Review status: criteria provided, single submitter. Criteria: Invitae Variant Classification Sherloc (09022015). Collection method: clinical testing. Allele origin: germline.
Comment: This sequence change replaces arginine, which is basic and polar, with cysteine, which is neutral and slightly polar, at codon 146 of the DLX3 protein (p.Arg146Cys). This variant is not present in population databases (gnomAD no frequency). This variant has not been reported in the literature in individuals affected with DLX3-related conditions. ClinVar contains an entry for this variant (Variation ID: 2052885). Advanced modeling of protein sequence and biophysical properties (such as structural, functional, and spatial information, amino acid conservation, physicochemical variation, residue mobility, and thermodynamic stability) has been performed at Invitae for this missense variant, however the output from this modeling did not meet the statistical confidence thresholds required to predict the impact of this variant on DLX3 protein function. In summary, the available evidence is currently insufficient to determine the role of this variant in disease. Therefore, it has been classified as a Variant of Uncertain Significance.